The following is an entry in ClinVar:

NM_002691.4(POLD1):c.2810T>A (p.Met937Lys)

Gene: POLD1 (DNA polymerase delta 1, catalytic subunit; plus strand). Cytogenetic location: 19q13.33.
Variant type: single nucleotide variant.
Coding change: c.2810T>A on transcript NM_002691.4 (MANE Select); coding-DNA position 2810, T replaced by A.
Protein change: p.Met937Lys; replaces methionine 937 with lysine.
Molecular consequence: missense variant.
Genome position (GRCh38, 1-based): chr19:50,415,816, T>A. VCF-style: chr19-50415816-T-A. GRCh37 (hg19) VCF-style: chr19-50919073-T-A.
Other names: c.2810T>A, p.Met937Lys (NM_001256849.1); c.2888T>A, p.Met963Lys (NM_001308632.1); c.2810T>A (NM_002691.2); short protein forms M937K, M963K.
Identifiers: ClinVar variation 937513 (VCV000937513.8), dbSNP rs1011628932, ClinGen allele CA309605162.
Genomic context (GRCh38, chr19:50,415,816, plus strand): 5'-GCCTGGGCGACCGCGTCCCCTACGTGATCATCAGTGCCGCCAAGGGTGTGGCCGCCTACA[T>A]GAAGTCGGAGGTCAGGCCCACCTGGCTGCCTGCTCCCGCCCAGCCCCCTCGCTCTCACTT-3'
Protein context (NP_002682.2, residues 927-947): ISAAKGVAAY[Met937Lys]KSEDPLFVLE

ClinVar aggregate classification (germline): Uncertain significance. Review status: criteria provided, multiple submitters, no conflicts (2 of 4 stars). 2 submissions from 2 submitters: Uncertain significance (2). Last evaluated 2025-01-27.

Conditions:
Hereditary cancer-predisposing syndrome. Also called: Hereditary neoplastic syndrome; Tumor predisposition; Neoplastic Syndromes, Hereditary; Hereditary Cancer Syndrome. Identifiers: Orphanet 140162, MedGen C0027672, MeSH D009386, MONDO:0015356.
POLD1-related polyposis and colorectal cancer syndrome (CRCS10). Also called: Colorectal cancer 10; COLORECTAL CANCER, SUSCEPTIBILITY TO, ON CHROMOSOME 19q; Colorectal cancer, susceptibility to, 10. Identifiers: Orphanet 220460, MedGen C2675481, MONDO:0012953, OMIM 612591.

gnomAD v4.1: 2 of 1,529,430 alleles (0.00013%); highest among the groups gnomAD compares: Non-Finnish European, 0.00018%; no homozygotes.

Submissions (2):

Ambry Genetics
Classification: Uncertain significance for Hereditary cancer-predisposing syndrome. Last evaluated: 2025-01-27. Review status: criteria provided, single submitter. Criteria: Ambry Variant Classification Scheme 2023. Collection method: clinical testing. Allele origin: germline.
Comment: The p.M937K variant (also known as c.2810T>A), located in coding exon 21 of the POLD1 gene, results from a T to A substitution at nucleotide position 2810. The methionine at codon 937 is replaced by lysine, an amino acid with similar properties. This amino acid position is conserved. In addition, the in silico prediction for this alteration is inconclusive. Based on the available evidence, the clinical significance of this variant remains unclear.

Labcorp Genetics (formerly Invitae), Labcorp
Classification: Uncertain significance for POLD1-related polyposis and colorectal cancer syndrome. Last evaluated: 2023-12-20. Review status: criteria provided, single submitter. Criteria: Invitae Variant Classification Sherloc (09022015). Collection method: clinical testing. Allele origin: germline.
Comment: This sequence change replaces methionine, which is neutral and non-polar, with lysine, which is basic and polar, at codon 937 of the POLD1 protein (p.Met937Lys). This variant is not present in population databases (gnomAD no frequency). This variant has not been reported in the literature in individuals affected with POLD1-related conditions. ClinVar contains an entry for this variant (Variation ID: 937513). Advanced modeling of protein sequence and biophysical properties (such as structural, functional, and spatial information, amino acid conservation, physicochemical variation, residue mobility, and thermodynamic stability) performed at Invitae indicates that this missense variant is not expected to disrupt POLD1 protein function with a negative predictive value of 80%. In summary, the available evidence is currently insufficient to determine the role of this variant in disease. Therefore, it has been classified as a Variant of Uncertain Significance.